The following is an entry in ClinVar:

NM_000091.5(COL4A3):c.3619G>C (p.Gly1207Arg)

Genes: COL4A3 (collagen type IV alpha 3 chain; plus strand), MFF-DT (MFF divergent transcript; minus strand). Cytogenetic location: 2q36.3.
Variant type: single nucleotide variant.
Coding change: c.3619G>C on transcript NM_000091.5 (MANE Select); coding-DNA position 3619, G replaced by C.
Protein change: p.Gly1207Arg; replaces glycine 1207 with arginine.
Molecular consequence: missense variant.
Genome position (GRCh38, 1-based): chr2:227,297,727, G>C. VCF-style: chr2-227297727-G-C. GRCh37 (hg19) VCF-style: chr2-228162443-G-C.
Other names: short protein forms G1207R.
Identifiers: ClinVar variation 804578 (VCV000804578.25), dbSNP rs1167411352, ClinGen allele CA350860020.

ClinVar aggregate classification (germline): Pathogenic. Review status: criteria provided, multiple submitters, no conflicts (2 of 4 stars). 2 submissions from 2 submitters: Pathogenic (2). Last evaluated 2023-10-01.

Allele frequency attached by ClinVar (database versions not stated): gnomAD exomes below 0.00001.

Submissions (2):

CeGaT Center for Human Genetics Tuebingen
Classification: Pathogenic. Last evaluated: 2023-10-01. Review status: criteria provided, single submitter. Criteria: CeGaT Center For Human Genetics Tuebingen Variant Classification Criteria Version 2. Collection method: clinical testing. Allele origin: germline. Affected: yes. Observed: 1 variant allele.
Comment: COL4A3: PS1, PM1, PM2, PM5

Athena Diagnostics
Classification: Pathogenic. Last evaluated: 2018-09-25. Review status: criteria provided, single submitter. Criteria: Athena Diagnostics Criteria. Collection method: clinical testing. Allele origin: germline.
Comment: The variant disrupts a glycine residue in the canonical Gly-X-Y repeats of the triple helix domain, which are required for stability and structure of this protein. Therefore it is expected to severely affect the function of the protein. Found in at least one symptomatic patient, and found in general population data that is consistent with pathogenicity.

Literature cited by the submitters: PubMed 22887978 (cited by Athena Diagnostics).